The following is an entry in ClinVar:

NM_002474.3(MYH11):c.690C>T (p.Asn230=)

Gene: MYH11 (myosin heavy chain 11; minus strand). Cytogenetic location: 16p13.11.
Variant type: single nucleotide variant.
Coding change: c.690C>T on transcript NM_002474.3 (MANE Select); coding-DNA position 690, C replaced by T.
Protein change: p.Asn230=; no amino-acid change (asparagine 230 retained).
Molecular consequence: synonymous variant.
Genome position (GRCh38, 1-based): chr16:15,782,421, G>A on the plus strand (C>T on the coding strand, the complement: MYH11 is on the minus strand). VCF-style: chr16-15782421-G-A. GRCh37 (hg19) VCF-style: chr16-15876278-G-A.
Other names: c.711C>T, p.Asn237= (NM_001040113.2, NM_001040114.2); c.690C>T, p.Asn230= (NM_022844.3).
Identifiers: ClinVar variation 534157 (VCV000534157.22), dbSNP rs561105158, ClinGen allele CA7922851.

ClinVar aggregate classification (germline): Likely benign. Review status: criteria provided, multiple submitters, no conflicts (2 of 4 stars). 7 submissions from 7 submitters: Likely benign (5). 2 of the submissions do not count toward it. Last evaluated 2025-12-03.

Conditions:
Aortic aneurysm, familial thoracic 4 (AAT4). Also called: AORTIC ANEURYSM/AORTIC DISSECTION AND PATENT DUCTUS ARTERIOSUS. Identifiers: MedGen C1851504, MONDO:0007568, OMIM 132900.
Familial thoracic aortic aneurysm and aortic dissection (TAAD). Also called: Thoracic aortic aneurysms and dissections. Identifiers: Orphanet 91387, MedGen C4707243, MONDO:0019625.

Allele frequency attached by ClinVar (database versions not stated): ExAC 0.00002; gnomAD exomes 0.00003; gnomAD 0.00009 and 0.00010; TOPMed 0.00010; 1000 Genomes Project 0.00040; 1000 Genomes Project 30x 0.00047.
gnomAD v4.1: 58 of 1,614,130 alleles (0.0036%); highest among the groups gnomAD compares: African/African-American, 0.037%; no homozygotes.

Submissions (7):

Labcorp Genetics (formerly Invitae), Labcorp
Classification: Likely benign for Aortic aneurysm, familial thoracic 4. Last evaluated: 2025-12-03. Review status: criteria provided, single submitter. Criteria: Invitae Variant Classification Sherloc (09022015). Collection method: clinical testing. Allele origin: germline.

Ambry Genetics
Classification: Likely benign for Familial thoracic aortic aneurysm and aortic dissection. Last evaluated: 2025-02-14. Review status: criteria provided, single submitter. Criteria: Ambry Variant Classification Scheme 2023. Collection method: clinical testing. Allele origin: germline.

All of Us Research Program, National Institutes of Health
Classification: Likely benign for Familial thoracic aortic aneurysm and aortic dissection. Last evaluated: 2023-10-27. Review status: criteria provided, single submitter. Criteria: ACMG Guidelines, 2015. Collection method: clinical testing. Allele origin: germline. Inheritance: Autosomal dominant inheritance. Observed: 9 variant alleles, 9 heterozygotes.
Comment: This study involves interpretation of variants in research participants for the purpose of population health screening. Participant phenotype was not available at the time of variant classification. Additional details can be found in publication PMID: 35346344, PMCID: PMC8962531

GeneDx
Classification: Likely benign. Last evaluated: 2021-03-31. Review status: criteria provided, single submitter. Criteria: GeneDx Variant Classification Process June 2021. Collection method: clinical testing. Allele origin: germline. Affected: yes.

Color Diagnostics, LLC DBA Color Health
Classification: Likely benign for Familial thoracic aortic aneurysm and aortic dissection. Last evaluated: 2019-09-09. Review status: criteria provided, single submitter. Criteria: ACMG Guidelines, 2015. Collection method: clinical testing. Allele origin: germline.

Clinical Genetics DNA and cytogenetics Diagnostics Lab, Erasmus MC, Erasmus Medical Center
Classification: Likely benign. Review status: no assertion criteria provided. Collection method: clinical testing. Allele origin: germline. Affected: yes. Study: VKGL Data-share Consensus. Not counted in ClinVar's aggregate classification.

Genome Diagnostics Laboratory, Amsterdam University Medical Center
Classification: Likely benign. Review status: no assertion criteria provided. Collection method: clinical testing. Allele origin: germline. Affected: yes. Study: VKGL Data-share Consensus. Not counted in ClinVar's aggregate classification.